The following is an entry in ClinVar:

ClinVar aggregate classification (germline): Pathogenic. Review status: criteria provided, multiple submitters, no conflicts (2 of 4 stars). 4 submissions from 4 submitters: Pathogenic (2). 2 of the submissions do not count toward it. Last evaluated 2023-07-05.

Conditions:
Maple syrup urine disease (MSUD). Identifiers: Orphanet 511, MedGen C0024776, MeSH D008375, MONDO:0009563. Disease mechanism: loss of function.
Maple syrup urine disease type 1A (MSUD1A). Also called: MSUD type 1A. Identifiers: MedGen C1855369, MONDO:0023691, OMIM 248600.

Allele frequency attached by ClinVar (database versions not stated): gnomAD exomes below 0.00001; ExAC 0.00001; gnomAD 0.00001; 1000 Genomes Project 30x 0.00016; 1000 Genomes Project 0.00020.
gnomAD v4.1: 8 of 1,614,164 alleles (0.0005%); highest among the groups gnomAD compares: East Asian, 0.0022%; no homozygotes.

Submissions (4):

Baylor Genetics
Classification: Pathogenic for Maple syrup urine disease type 1A. Last evaluated: 2023-07-05. Review status: criteria provided, single submitter. Criteria: ACMG Guidelines, 2015. Collection method: clinical testing. Allele origin: unknown.

Labcorp Genetics (formerly Invitae), Labcorp
Classification: Pathogenic for Maple syrup urine disease. Last evaluated: 2022-10-06. Review status: criteria provided, single submitter. Criteria: Invitae Variant Classification Sherloc (09022015). Collection method: clinical testing. Allele origin: germline.
Comment: For these reasons, this variant has been classified as Pathogenic. Advanced modeling of protein sequence and biophysical properties (such as structural, functional, and spatial information, amino acid conservation, physicochemical variation, residue mobility, and thermodynamic stability) has been performed at Invitae for this missense variant, however the output from this modeling did not meet the statistical confidence thresholds required to predict the impact of this variant on BCKDHA protein function. ClinVar contains an entry for this variant (Variation ID: 558191). This variant is also known as A209T. This missense change has been observed in individual(s) with maple syrup urine disease (PMID: 8161368, 16786533, 17922217). This variant is present in population databases (rs199599175, gnomAD 0.007%). This sequence change replaces alanine, which is neutral and non-polar, with threonine, which is neutral and polar, at codon 253 of the BCKDHA protein (p.Ala253Thr).

Natera, Inc.
Classification: Likely pathogenic for Maple syrup urine disease type 1A. Last evaluated: 2020-03-31. Review status: no assertion criteria provided. Collection method: clinical testing. Allele origin: germline. Not counted in ClinVar's aggregate classification.

Counsyl
Classification: Likely pathogenic for Maple syrup urine disease type 1A. Last evaluated: 2018-05-04. Review status: no assertion criteria provided. Collection method: clinical testing. Allele origin: unknown. Not counted in ClinVar's aggregate classification.

Literature cited by the submitters: PubMed 8161368 (cited by Labcorp Genetics (formerly Invitae), Labcorp and Counsyl); PubMed 16786533 (cited by Labcorp Genetics (formerly Invitae), Labcorp and Counsyl); PubMed 17922217 (cited by Labcorp Genetics (formerly Invitae), Labcorp and Counsyl).

NM_000709.4(BCKDHA):c.757G>A (p.Ala253Thr)

Gene: BCKDHA (branched chain keto acid dehydrogenase E1 subunit alpha; plus strand). Cytogenetic location: 19q13.2.
Variant type: single nucleotide variant.
Coding change: c.757G>A on transcript NM_000709.4 (MANE Select); coding-DNA position 757, G replaced by A.
Protein change: p.Ala253Thr; replaces alanine 253 with threonine.
Molecular consequence: missense variant.
Genome position (GRCh38, 1-based): chr19:41,422,274, G>A. VCF-style: chr19-41422274-G-A. GRCh37 (hg19) VCF-style: chr19-41928179-G-A.
Other names: c.757G>A (NM_001164783.1); c.757G>A, p.Ala253Thr (NM_001164783.2); short protein forms A253T.
Identifiers: ClinVar variation 558191 (VCV000558191.13), dbSNP rs199599175, ClinGen allele CA9461255.
Genomic context (GRCh38, chr19:41,422,274, plus strand): 5'-ATCTGTTACTTCGGCGAGGGGGCAGCCAGTGAGGGGGACGCCCATGCCGGCTTCAACTTC[G>A]CTGCCACACTTGAGTGCCCCATCATCTTCTTCTGCCGGAACAATGGCTACGCCATCTCCA-3'
Protein context (NP_000700.1, residues 243-263): EGDAHAGFNF[Ala253Thr]ATLECPIIFF